The following is an entry in ClinVar:

ClinVar aggregate classification (germline): Uncertain significance. Review status: criteria provided, multiple submitters, no conflicts (2 of 4 stars). 4 submissions from 4 submitters: Uncertain significance (4). Last evaluated 2023-12-18.

Allele frequency attached by ClinVar (database versions not stated): gnomAD exomes 0.00004 and 0.00006; ExAC 0.00005; gnomAD 0.00007 and 0.00008; TOPMed 0.00011.
gnomAD v4.1: 69 of 1,596,876 alleles (0.0043%); highest among the groups gnomAD compares: East Asian, 0.064%; no homozygotes.

Submissions (4):

Blueprint Genetics
Classification: Uncertain significance. Last evaluated: 2023-12-18. Review status: criteria provided, single submitter. Criteria: ACMG Guidelines, 2015. Collection method: clinical testing. Allele origin: germline.

Labcorp Genetics (formerly Invitae), Labcorp
Classification: Uncertain significance. Last evaluated: 2023-08-17. Review status: criteria provided, single submitter. Criteria: Invitae Variant Classification Sherloc (09022015). Collection method: clinical testing. Allele origin: germline.
Comment: This sequence change replaces arginine, which is basic and polar, with cysteine, which is neutral and slightly polar, at codon 619 of the HSPG2 protein (p.Arg619Cys). In summary, the available evidence is currently insufficient to determine the role of this variant in disease. Therefore, it has been classified as a Variant of Uncertain Significance. An algorithm developed to predict the effect of missense changes on protein structure and function (PolyPhen-2) suggests that this variant is likely to be disruptive. ClinVar contains an entry for this variant (Variation ID: 1256148). This variant has not been reported in the literature in individuals affected with HSPG2-related conditions. The frequency data for this variant in the population databases is considered unreliable, as metrics indicate poor data quality at this position in the gnomAD database.

Athena Diagnostics
Classification: Uncertain significance. Last evaluated: 2021-05-20. Review status: criteria provided, single submitter. Criteria: Athena Diagnostics criteria. Collection method: clinical testing. Allele origin: unknown.

Revvity Omics, Revvity
Classification: Uncertain significance. Last evaluated: 2020-01-28. Review status: criteria provided, single submitter. Criteria: ACMG Guidelines, 2015. Collection method: clinical testing. Allele origin: germline.

NM_005529.7(HSPG2):c.1855C>T (p.Arg619Cys)

Gene: HSPG2 (heparan sulfate proteoglycan 2; minus strand). Cytogenetic location: 1p36.12.
Variant type: single nucleotide variant.
Coding change: c.1855C>T on transcript NM_005529.7 (MANE Select); coding-DNA position 1855, C replaced by T.
Protein change: p.Arg619Cys; replaces arginine 619 with cysteine.
Molecular consequence: missense variant.
Genome position (GRCh38, 1-based): chr1:21,880,799, G>A on the plus strand (C>T on the coding strand, the complement: HSPG2 is on the minus strand). VCF-style: chr1-21880799-G-A. GRCh37 (hg19) VCF-style: chr1-22207292-G-A.
Other names: c.1858C>T, p.Arg620Cys (NM_001291860.2); short protein forms R619C, R620C.
Identifiers: ClinVar variation 1256148 (VCV001256148.9), dbSNP rs754060584, ClinGen allele CA673259.